The following is an entry in ClinVar:

ClinVar aggregate classification (germline): Uncertain significance (1 of 4 stars; one submission).

Conditions:
Rhabdoid tumor predisposition syndrome 2 (RTPS2). Identifiers: Orphanet 231108, Orphanet 69077, MedGen C2750074, MONDO:0013224, OMIM 613325.

Submission:

Labcorp Genetics (formerly Invitae), Labcorp
Classification: Uncertain significance for Rhabdoid tumor predisposition syndrome 2. Last evaluated: 2022-01-19. Review status: criteria provided, single submitter. Criteria: Invitae Variant Classification Sherloc (09022015). Collection method: clinical testing. Allele origin: germline.
Comment: This sequence change replaces glycine, which is neutral and non-polar, with serine, which is neutral and polar, at codon 241 of the SMARCA4 protein (p.Gly241Ser). This variant is not present in population databases (gnomAD no frequency). This variant has not been reported in the literature in individuals affected with SMARCA4-related conditions. Algorithms developed to predict the effect of missense changes on protein structure and function output the following: SIFT: "Deleterious"; PolyPhen-2: "Possibly Damaging"; Align-GVGD: "Class C0". The serine amino acid residue is found in multiple mammalian species, which suggests that this missense change does not adversely affect protein function. In summary, the available evidence is currently insufficient to determine the role of this variant in disease. Therefore, it has been classified as a Variant of Uncertain Significance.

NM_003072.5(SMARCA4):c.721G>A (p.Gly241Ser)

Gene: SMARCA4 (SWI/SNF related BAF chromatin remodeling complex subunit ATPase 4; plus strand). Cytogenetic location: 19p13.2.
Variant type: single nucleotide variant.
Coding change: c.721G>A on transcript NM_003072.5 (MANE Select); coding-DNA position 721, G replaced by A.
Protein change: p.Gly241Ser; replaces glycine 241 with serine.
Molecular consequence: missense variant. On other transcripts: non-coding transcript variant (1).
Genome position (GRCh38, 1-based): chr19:10,986,554, G>A. VCF-style: chr19-10986554-G-A. GRCh37 (hg19) VCF-style: chr19-11097230-G-A.
Other names: c.721G>A, p.Gly241Ser (NM_001128844.3, NM_001128845.2, NM_001128846.2 and 6 more transcripts); short protein forms G241S.
Identifiers: ClinVar variation 2087956 (VCV002087956.4), dbSNP rs1599953263, ClinGen allele CA404057164.